The following is an entry in ClinVar:

ClinVar aggregate classification (germline): Pathogenic (1 of 4 stars; one submission).

Conditions:
Nemaline myopathy 2 (NEM2). Also called: Nemaline myopathy 2, autosomal recessive. Identifiers: MedGen C1850569, MONDO:0009725, OMIM 256030.

Submission:

Myriad Genetics, Inc.
Classification: Pathogenic for Nemaline myopathy 2. Last evaluated: 2023-09-27. Review status: criteria provided, single submitter. Criteria: Myriad Autosomal Dominant, Autosomal Recessive and X-Linked Classification Criteria (2023). Collection method: clinical testing. Allele origin: unknown.
Comment: NM_001271208.1(NEB):c.10846dupC(R3616Pfs*5) is expected to be pathogenic in the context of NEB-related nemaline myopathy. This variant is predicted to lead to an abnormal or absent protein product due to the creation of a premature termination codon in NEB, a gene where loss-of-function variants are known to be pathogenic. Please note: this variant was assessed in the context of healthy population screening.

NM_001164508.2(NEB):c.10846dup (p.Arg3616fs)

Gene: NEB (nebulin; minus strand). Cytogenetic location: 2q23.3.
Variant type: Duplication.
Coding change: c.10846dup on transcript NM_001164508.2 (MANE Select); coding-DNA position 10846, one base duplicated (C; older notation c.10846dupC).
Protein change: p.Arg3616fs; shifts the reading frame from arginine 3616.
Molecular consequence: frameshift variant.
Genome position (GRCh38, 1-based): chr2:151,619,477, G duplicated on the plus strand (C on the coding strand, the reverse complement: NEB is on the minus strand). VCF-style (leftmost placement, unchanged base first): chr2-151619476-C-CG. GRCh37 (hg19) VCF-style: chr2-152475990-C-CG.
Other names: c.10846dup, p.Arg3616fs (NM_001164507.2, NM_001271208.2); c.10117dup, p.Arg3373fs (NM_004543.5); short protein forms R3373fs, R3616fs.
Identifiers: ClinVar variation 5012007 (VCV005012007.1).